The following is an entry in ClinVar:

NM_130810.4(DNAAF4):c.741C>A (p.Phe247Leu)

Genes: DNAAF4 (dynein axonemal assembly factor 4; minus strand), DNAAF4-CCPG1 (DNAAF4-CCPG1 readthrough (NMD candidate); minus strand). Cytogenetic location: 15q21.3.
Variant type: single nucleotide variant.
Coding change: c.741C>A on transcript NM_130810.4 (MANE Select); coding-DNA position 741, C replaced by A.
Protein change: p.Phe247Leu; replaces phenylalanine 247 with leucine.
Molecular consequence: missense variant. On other transcripts: non-coding transcript variant (1).
Genome position (GRCh38, 1-based): chr15:55,450,264, G>T on the plus strand (C>A on the coding strand, the complement: DNAAF4 is on the minus strand). VCF-style: chr15-55450264-G-T. GRCh37 (hg19) VCF-style: chr15-55742462-G-T.
Other names: c.741C>A, p.Phe247Leu (NM_001033559.3, NM_001033560.2); short protein forms F247L.
Identifiers: ClinVar variation 410964 (VCV000410964.9), dbSNP rs145991721, ClinGen allele CA7574972.

ClinVar aggregate classification (germline): Uncertain significance. Review status: criteria provided, multiple submitters, no conflicts (2 of 4 stars). 2 submissions from 2 submitters: Uncertain significance (2). Last evaluated 2022-06-09.

Conditions:
Inborn genetic diseases. Identifiers: MedGen C0950123, MeSH D030342.

Allele frequency attached by ClinVar (database versions not stated): TOPMed below 0.00001; gnomAD 0.00001; gnomAD exomes 0.00002 and 0.00005; ExAC 0.00004; ESP Exome Variant Server 0.00008.
gnomAD v4.1: 37 of 1,613,896 alleles (0.0023%); highest among the groups gnomAD compares: South Asian, 0.025%; 1 homozygote.

Submissions (2):

Ambry Genetics
Classification: Uncertain significance for Inborn genetic diseases. Last evaluated: 2022-06-09. Review status: criteria provided, single submitter. Criteria: Ambry Variant Classification Scheme 2023. Collection method: clinical testing. Allele origin: germline.

Labcorp Genetics (formerly Invitae), Labcorp
Classification: Uncertain significance. Last evaluated: 2021-08-11. Review status: criteria provided, single submitter. Criteria: Invitae Variant Classification Sherloc (09022015). Collection method: clinical testing. Allele origin: germline.
Comment: This sequence change replaces phenylalanine with leucine at codon 247 of the DYX1C1 protein (p.Phe247Leu). The phenylalanine residue is highly conserved and there is a small physicochemical difference between phenylalanine and leucine. This variant is present in population databases (rs145991721, ExAC 0.006%) but has not been reported in the literature in individuals with a DYX1C1-related disease. Algorithms developed to predict the effect of missense changes on protein structure and function do not agree on the potential impact of this missense change (SIFT: "Deleterious"; PolyPhen-2: "Possibly Damaging"; Align-GVGD: "Class C15"). In summary, this variant is a rare missense change with uncertain impact on protein function. There is no indication that it causes disease, but the available evidence is currently insufficient to prove that conclusively. Therefore, it has been classified as a Variant of Uncertain Significance.